The following is an entry in ClinVar:

ClinVar aggregate classification (germline): Conflicting classifications of pathogenicity. Review status: criteria provided, conflicting classifications (1 of 4 stars). 3 submissions from 3 submitters: Uncertain significance (2); Likely benign (1). Last evaluated 2024-11-20.

Allele frequency attached by ClinVar (database versions not stated): gnomAD exomes 0.00028 and 0.00074; ExAC 0.00082; 1000 Genomes Project 0.00300; gnomAD 0.00304 and 0.00321; ESP Exome Variant Server 0.00308; 1000 Genomes Project 30x 0.00328; TOPMed 0.00331.
gnomAD v4.1: 886 of 1,613,714 alleles (0.055%); highest among the groups gnomAD compares: African/African-American, 1.1%; 4 homozygotes.

Submissions (5):

Ambry Genetics
Classification: Uncertain significance. Last evaluated: 2024-11-20. Review status: criteria provided, single submitter. Criteria: Ambry Variant Classification Scheme 2023. Collection method: clinical testing. Allele origin: germline.

Labcorp Genetics (formerly Invitae), Labcorp
Classification: Likely benign. Last evaluated: 2024-08-21. Review status: criteria provided, single submitter. Criteria: Invitae Variant Classification Sherloc (09022015). Collection method: clinical testing. Allele origin: germline.

GeneDx
Classification: Uncertain significance. Last evaluated: 2024-02-08. Review status: criteria provided, single submitter. Criteria: GeneDx Variant Classification Process June 2021. Collection method: clinical testing. Allele origin: germline. Affected: yes.
Comment: In silico analysis supports that this missense variant has a deleterious effect on protein structure/function; Has not been previously published as pathogenic or benign to our knowledge

Dr. Peter K. Rogan Lab, Western University
No classification provided (evidence only). Condition: Familial cancer of breast. Review status: no classification provided. Collection method: in vitro. Allele origin: not applicable. Functional consequence: retained intron. Not counted in ClinVar's aggregate classification.

Dr. Peter K. Rogan Lab, Western University
No classification provided (evidence only). Condition: Ovarian serous cystadenocarcinoma. Review status: no classification provided. Collection method: in vitro. Allele origin: not applicable. Functional consequence: retained intron. Not counted in ClinVar's aggregate classification.

NM_001166412.2(SMOC2):c.635C>T (p.Ser212Leu)

Gene: SMOC2 (SPARC related modular calcium binding 2; plus strand). Cytogenetic location: 6q27.
Variant type: single nucleotide variant.
Coding change: c.635C>T on transcript NM_001166412.2 (MANE Select); coding-DNA position 635, C replaced by T.
Protein change: p.Ser212Leu; replaces serine 212 with leucine.
Molecular consequence: missense variant.
Genome position (GRCh38, 1-based): chr6:168,549,201, C>T. VCF-style: chr6-168549201-C-T. GRCh37 (hg19) VCF-style: chr6-168949881-C-T.
Other names: c.668C>T, p.Ser223Leu (NM_022138.3); short protein forms S212L, S223L.
Identifiers: ClinVar variation 709829 (VCV000709829.11), dbSNP rs140807244, ClinGen allele CA4102204.